The following is an entry in ClinVar:

ClinVar aggregate classification (germline): Pathogenic/Likely pathogenic. Review status: criteria provided, multiple submitters, no conflicts (2 of 4 stars). 2 submissions from 2 submitters: Pathogenic (1); Likely pathogenic (1). Last evaluated 2025-08-03.

Conditions:
Jeune thoracic dystrophy. Also called: Short-rib thoracic dysplasia; Jeune syndrome; Infantile thoracic dystrophy; Thoracic pelvic phalangeal dystrophy; Jeune's syndrome; Chondroectodermal dysplasia-like syndrome. Identifiers: Orphanet 474, MedGen C0265275, MONDO:0018770.
Asphyxiating thoracic dystrophy 2 (SRTD2). Also called: SHORT-RIB THORACIC DYSPLASIA 2 WITH OR WITHOUT POLYDACTYLY; SHORT-RIB THORACIC DYSPLASIA 2 WITH POLYDACTYLY; SHORT-RIB THORACIC DYSPLASIA 2 WITHOUT POLYDACTYLY. Identifiers: Orphanet 474, MedGen C1970005, MONDO:0012644, OMIM 611263.

Allele frequency attached by ClinVar (database versions not stated): gnomAD 0.00003; TOPMed 0.00003; ESP Exome Variant Server 0.00008.
gnomAD v4.1: 18 of 1,614,026 alleles (0.0011%); highest among the groups gnomAD compares: Non-Finnish European, 0.0015%; no homozygotes.

Submissions (2):

Labcorp Genetics (formerly Invitae), Labcorp
Classification: Pathogenic for Jeune thoracic dystrophy. Last evaluated: 2025-08-03. Review status: criteria provided, single submitter. Criteria: Invitae Variant Classification Sherloc (09022015). Collection method: clinical testing. Allele origin: germline.
Comment: This sequence change creates a premature translational stop signal (p.Ser234*) in the IFT80 gene. It is expected to result in an absent or disrupted protein product. Loss-of-function variants in IFT80 are known to be pathogenic (PMID: 21227999, 23339108, 29068549). This variant is present in population databases (rs369919590, gnomAD 0.0009%). This variant has not been reported in the literature in individuals affected with IFT80-related conditions. ClinVar contains an entry for this variant (Variation ID: 2910537). For these reasons, this variant has been classified as Pathogenic.

Fulgent Genetics
Classification: Likely pathogenic for Asphyxiating thoracic dystrophy 2. Last evaluated: 2024-04-15. Review status: criteria provided, single submitter. Criteria: ACMG Guidelines, 2015. Collection method: clinical testing. Allele origin: germline.

Literature cited by the submitters: PubMed 21227999 (cited by Labcorp Genetics (formerly Invitae), Labcorp); PubMed 23339108 (cited by Labcorp Genetics (formerly Invitae), Labcorp); PubMed 29068549 (cited by Labcorp Genetics (formerly Invitae), Labcorp).

NM_020800.3(IFT80):c.701C>G (p.Ser234Ter)

Genes: TRIM59-IFT80 (TRIM59-IFT80 readthrough (NMD candidate); minus strand), IFT80 (intraflagellar transport 80; minus strand). Cytogenetic location: 3q25.33.
Variant type: single nucleotide variant.
Coding change: c.701C>G on transcript NM_020800.3 (MANE Select); coding-DNA position 701, C replaced by G.
Protein change: p.Ser234Ter; replaces serine 234 with a stop codon.
Molecular consequence: nonsense. On other transcripts: non-coding transcript variant (3).
Genome position (GRCh38, 1-based): chr3:160,356,089, G>C on the plus strand (C>G on the coding strand, the complement: IFT80 is on the minus strand). VCF-style: chr3-160356089-G-C. GRCh37 (hg19) VCF-style: chr3-160073877-G-C.
Other names: c.290C>G, p.Ser97Ter (NM_001190241.2, NM_001190242.2); short protein forms S97*, S234*.
Identifiers: ClinVar variation 2910537 (VCV002910537.4), dbSNP rs369919590, ClinGen allele CA86564830.